The following is an entry in ClinVar:

NM_001853.4(COL9A3):c.908C>A (p.Pro303Gln)

Gene: COL9A3 (collagen type IX alpha 3 chain; plus strand). Cytogenetic location: 20q13.33.
Variant type: single nucleotide variant.
Coding change: c.908C>A on transcript NM_001853.4 (MANE Select); coding-DNA position 908, C replaced by A.
Protein change: p.Pro303Gln; replaces proline 303 with glutamine.
Molecular consequence: missense variant.
Genome position (GRCh38, 1-based): chr20:62,828,771, C>A. VCF-style: chr20-62828771-C-A. GRCh37 (hg19) VCF-style: chr20-61460123-C-A.
Other names: short protein forms P303Q.
Identifiers: ClinVar variation 1510587 (VCV001510587.6), dbSNP rs755765044, ClinGen allele CA409593026.

ClinVar aggregate classification (germline): Uncertain significance (1 of 4 stars; one submission).

gnomAD v4.1: 1 of 1,612,828 alleles (0.000062%); highest among the groups gnomAD compares: Admixed American, 0.0017%; no homozygotes.

Submission:

Labcorp Genetics (formerly Invitae), Labcorp
Classification: Uncertain significance. Last evaluated: 2023-11-27. Review status: criteria provided, single submitter. Criteria: Invitae Variant Classification Sherloc (09022015). Collection method: clinical testing. Allele origin: germline.
Comment: This sequence change replaces proline, which is neutral and non-polar, with glutamine, which is neutral and polar, at codon 303 of the COL9A3 protein (p.Pro303Gln). This variant is not present in population databases (gnomAD no frequency). This variant has not been reported in the literature in individuals affected with COL9A3-related conditions. ClinVar contains an entry for this variant (Variation ID: 1510587). Advanced modeling of protein sequence and biophysical properties (such as structural, functional, and spatial information, amino acid conservation, physicochemical variation, residue mobility, and thermodynamic stability) performed at Invitae indicates that this missense variant is not expected to disrupt COL9A3 protein function with a negative predictive value of 95%. In summary, the available evidence is currently insufficient to determine the role of this variant in disease. Therefore, it has been classified as a Variant of Uncertain Significance.